The following is an entry in ClinVar:

NM_058216.3(RAD51C):c.838-5_838-2del

Gene: RAD51C (RAD51 paralog C; plus strand). Cytogenetic location: 17q22.
Variant type: Deletion.
Coding change: c.838-5_838-2del on transcript NM_058216.3 (MANE Select); 5 bases into the intron before coding-DNA position 838 through the canonical splice acceptor site of the intron before coding-DNA position 838, 4 bases deleted (TGTA; older notation c.838-5_838-2delTGTA).
Molecular consequence: splice acceptor variant.
Genome position (GRCh38, 1-based): chr17:58,720,741-58,720,744, TGTA deleted. VCF-style (leftmost placement, unchanged base first): chr17-58720740-TTGTA-T. GRCh37 (hg19) VCF-style: chr17-56798101-TTGTA-T.
Identifiers: ClinVar variation 4149881 (VCV004149881.1).

ClinVar aggregate classification (germline): Likely pathogenic (1 of 4 stars; one submission).

Conditions:
Hereditary cancer-predisposing syndrome. Also called: Hereditary neoplastic syndrome; Neoplastic Syndromes, Hereditary; Tumor predisposition; Hereditary Cancer Syndrome. Identifiers: Orphanet 140162, MedGen C0027672, MeSH D009386, MONDO:0015356.

Submission:

Ambry Genetics
Classification: Likely pathogenic for Hereditary cancer-predisposing syndrome. Last evaluated: 2025-06-23. Review status: criteria provided, single submitter. Criteria: Ambry Variant Classification Scheme 2023. Collection method: clinical testing. Allele origin: germline.
Comment: The c.838-5_838-2delTGTA intronic variant results from a deletion of 4 nucleotides between positions c.838-5 and c.838-2 and involves the canonical splice acceptor site before coding exon 6 of the RAD51C gene. This variant is considered to be rare based on population cohorts in the Genome Aggregation Database (gnomAD). The canonical splice acceptor site is highly conserved in available vertebrate species. In silico splice site analysis predicts that this alteration will weaken the native splice acceptor site; however, direct evidence is insufficient at this time (Ambry internal data). Alterations that disrupt the canonical splice site are expected to cause aberrant splicing, resulting in an abnormal protein or a transcript that is subject to nonsense-mediated mRNA decay. As such, this alteration is classified as likely pathogenic.